The following is an entry in ClinVar:

NM_004304.5(ALK):c.64G>C (p.Gly22Arg)

Gene: ALK (ALK receptor tyrosine kinase; minus strand). Cytogenetic location: 2p23.1.
Variant type: single nucleotide variant.
Coding change: c.64G>C on transcript NM_004304.5 (MANE Select); coding-DNA position 64, G replaced by C.
Protein change: p.Gly22Arg; replaces glycine 22 with arginine.
Molecular consequence: missense variant.
Genome position (GRCh38, 1-based): chr2:29,920,596, C>G on the plus strand (G>C on the coding strand, the complement: ALK is on the minus strand). VCF-style: chr2-29920596-C-G. GRCh37 (hg19) VCF-style: chr2-30143462-C-G.
Other names: short protein forms G22R.
Identifiers: ClinVar variation 3286267 (VCV003286267.2).

ClinVar aggregate classification (germline): Uncertain significance. Review status: criteria provided, multiple submitters, no conflicts (2 of 4 stars). 2 submissions from 2 submitters: Uncertain significance (2). Last evaluated 2025-06-19.

Conditions:
Neuroblastoma, susceptibility to, 3. Also called: ALK-Related Neuroblastic Tumor Susceptibility. Identifiers: Orphanet 635, MedGen C2751681, MONDO:0013083, OMIM 613014.
Hereditary cancer-predisposing syndrome. Also called: Neoplastic Syndromes, Hereditary; Hereditary neoplastic syndrome; Tumor predisposition; Hereditary Cancer Syndrome. Identifiers: Orphanet 140162, MedGen C0027672, MeSH D009386, MONDO:0015356.

gnomAD v4.1: 1 of 1,565,884 alleles (0.000064%); highest among the groups gnomAD compares: Non-Finnish European, 0.000086%; no homozygotes.

Submissions (2):

Labcorp Genetics (formerly Invitae), Labcorp
Classification: Uncertain significance for Neuroblastoma, susceptibility to, 3. Last evaluated: 2025-06-19. Review status: criteria provided, single submitter. Criteria: Invitae Variant Classification Sherloc (09022015). Collection method: clinical testing. Allele origin: germline.
Comment: This sequence change replaces glycine, which is neutral and non-polar, with arginine, which is basic and polar, at codon 22 of the ALK protein (p.Gly22Arg). This variant is not present in population databases (gnomAD no frequency). This variant has not been reported in the literature in individuals affected with ALK-related conditions. ClinVar contains an entry for this variant (Variation ID: 3286267). An algorithm developed to predict the effect of missense changes on protein structure and function outputs the following: PolyPhen-2: "Benign". The arginine amino acid residue is found in multiple mammalian species, which suggests that this missense change does not adversely affect protein function. In summary, the available evidence is currently insufficient to determine the role of this variant in disease. Therefore, it has been classified as a Variant of Uncertain Significance.

Ambry Genetics
Classification: Uncertain significance for Hereditary cancer-predisposing syndrome. Last evaluated: 2024-05-20. Review status: criteria provided, single submitter. Criteria: Ambry Variant Classification Scheme 2023. Collection method: clinical testing. Allele origin: germline.
Comment: The p.G22R variant (also known as c.64G>C), located in coding exon 1 of the ALK gene, results from a G to C substitution at nucleotide position 64. The glycine at codon 22 is replaced by arginine, an amino acid with dissimilar properties. This amino acid position is conserved. In addition, this alteration is predicted to be tolerated by in silico analysis. Based on the available evidence, the clinical significance of this variant remains unclear.